The following is an entry in ClinVar:

NM_001940.4(ATN1):c.2139G>T (p.Ala713=)

Gene: ATN1 (atrophin 1; plus strand). Cytogenetic location: 12p13.31.
Variant type: single nucleotide variant.
Coding change: c.2139G>T on transcript NM_001940.4 (MANE Select); coding-DNA position 2139, G replaced by T.
Protein change: p.Ala713=; no amino-acid change (alanine 713 retained).
Molecular consequence: synonymous variant.
Genome position (GRCh38, 1-based): chr12:6,937,406, G>T. VCF-style: chr12-6937406-G-T. GRCh37 (hg19) VCF-style: chr12-7046569-G-T.
Other names: c.2139G>T, p.Ala713= (NM_001007026.2, NM_001424176.1, NM_001424177.1 and 1 more transcripts); c.2136G>T, p.Ala712= (NM_001424179.1, NM_001424180.1).
Identifiers: ClinVar variation 5040057 (VCV005040057.1).

ClinVar aggregate classification (germline): Likely benign (1 of 4 stars; one submission).

Submission:

CeGaT Center for Human Genetics Tuebingen
Classification: Likely benign. Last evaluated: 2026-07-01. Review status: criteria provided, single submitter. Criteria: CeGaT Center For Human Genetics Tuebingen Variant Classification Criteria Version 2. Collection method: clinical testing. Allele origin: germline. Affected: yes. Observed: 1 variant allele.
Comment: ATN1: PM2:Supporting, BP4, BP7